The following is an entry in ClinVar:

NM_001330260.2(SCN8A):c.4892T>C (p.Ile1631Thr)

Gene: SCN8A (sodium voltage-gated channel alpha subunit 8; plus strand). Cytogenetic location: 12q13.13.
Variant type: single nucleotide variant.
Coding change: c.4892T>C on transcript NM_001330260.2 (MANE Select); coding-DNA position 4892, T replaced by C.
Protein change: p.Ile1631Thr; replaces isoleucine 1631 with threonine.
Molecular consequence: missense variant.
Genome position (GRCh38, 1-based): chr12:51,806,378, T>C. VCF-style: chr12-51806378-T-C. GRCh37 (hg19) VCF-style: chr12-52200162-T-C.
Other names: NM_001330260.2(SCN8A):c.4892T>C; p.Ile1631Thr; c.4769T>C, p.Ile1590Thr (NM_001177984.3, NM_001369788.1); c.4892T>C, p.Ile1631Thr (NM_014191.4); short protein forms I1590T, I1631T.
Identifiers: ClinVar variation 691254 (VCV000691254.9), dbSNP rs1085307999, ClinGen allele CA384880453.

ClinVar aggregate classification (germline): Likely pathogenic. Review status: reviewed by expert panel (3 of 4 stars). 3 submissions from 3 submitters: Likely pathogenic (1). 2 of the submissions do not count toward it. Last evaluated 2025-09-23.

Conditions:
Autism (AUTS). Also called: Autistic disorder; Autistic disorder of childhood onset. Identifiers: MedGen C0004352, MeSH D001321, MONDO:0005260, OMIM 209850, HP:0000717.
Intellectual disability. Also called: intellectual disabilities; Intellectual functioning disability; Intellectual developmental disorder. Identifiers: MedGen C3714756, MeSH D008607, MONDO:0001071, HP:0001249.
Seizure. Also called: Seizures. Identifiers: MedGen C0036572, HP:0001250.
Early-infantile DEE. Also called: Early infantile epileptic encephalopathy; Early infantile epileptic encephalopathy with suppression bursts; Ohtahara syndrome. Identifiers: Orphanet 1934, MedGen C0393706, MONDO:0800491.
Complex neurodevelopmental disorder. Identifiers: Orphanet 528084, MedGen C5568766, MONDO:0100038.

Submissions (3):

ClinGen Epilepsy Sodium Channel Variant Curation Expert Panel, Clingen
Classification: Likely pathogenic for Complex neurodevelopmental disorder. Last evaluated: 2025-09-23. Review status: reviewed by expert panel. Criteria: ClinGen EpilepsySCN ACMG Specifications SCN8A V2.0.0. Collection method: curation. Allele origin: germline. Inheritance: Autosomal dominant inheritance.
Comment: The NM_001330260.2:c.4892T>C in SCN8A is a missense variant predicted to change Ile to Thr at codon 1631 (p.Ile1631Thr). The variant is absent from population databases (gnomAD v4.1; PM2_Supporting). The computational predictor REVEL gives a score of 0.98 which is higher than the threshold set >0.75 (PP3_Moderate). This variant has been identified as a de novo occurrence with confirmed parental relationships in 1 individual with Complex Neurodevelopmental Disorder (ClinVar Variation ID: 691254; PS2_Supporting). This variant has been identified in one patient with focal epilepsy in infancy without familial testing (Labcorp Genetics (formerly Invitae). Four different missense variants, in the same codon and in the paralogous gen SCN2A, have been reported in patients with Complex Neurodevelopmental Disorder (ClinVar Variation IDs: 3635210, 427167, 2020237, 835364, PM5_Supporting). This variant has been reported in 2 probands meeting Complex Neurodevelopmental Disorder criteria (ClinVar Variation ID: 691254, Labcorp Genetics (formerly Invitae); PS4_Moderate). In summary, this variant has been classified as likely pathogenic for autosomal dominant complex neurodevelopmental disorder based on the ACMG/AMP criteria applied, as specified by the Epilepsy Sodium Channel Expert Panel: PM2_Supporting, PS2_Supporting, PM5_Supporting, PP3_Moderate, PS4_Moderate (specifications v2.0; September 23, 2025).

Labcorp Genetics (formerly Invitae), Labcorp
Classification: Uncertain significance for Early-infantile DEE. Last evaluated: 2021-11-11. Review status: criteria provided, single submitter. Criteria: Invitae Variant Classification Sherloc (09022015). Collection method: clinical testing. Allele origin: germline. Not counted in ClinVar's aggregate classification.
Comment: ClinVar contains an entry for this variant (Variation ID: 691254). This missense change has been observed in individual(s) with SCN8A-related conditions (Invitae). This variant is not present in population databases (gnomAD no frequency). This sequence change replaces isoleucine, which is neutral and non-polar, with threonine, which is neutral and polar, at codon 1631 of the SCN8A protein (p.Ile1631Thr). Algorithms developed to predict the effect of missense changes on protein structure and function are either unavailable or do not agree on the potential impact of this missense change (SIFT: "Deleterious"; PolyPhen-2: "Possibly Damaging"; Align-GVGD: "Class C0"). In summary, the available evidence is currently insufficient to determine the role of this variant in disease. Therefore, it has been classified as a Variant of Uncertain Significance.

Department of Genetics, Rouen University Hospital, Normandy Center for Genomic and Personalized Medicine
Classification: Likely pathogenic for Intellectual disability; Seizure; Autism. Last evaluated: 2017-01-16. Review status: criteria provided, single submitter. Criteria: ACMG Guidelines, 2015. Collection method: clinical testing. Allele origin: de novo. Affected: yes. Not counted in ClinVar's aggregate classification.